The following is an entry in ClinVar:

ClinVar aggregate classification (germline): Uncertain significance (1 of 4 stars; one submission).

gnomAD v4.1: 2 of 1,613,614 alleles (0.00012%); highest among the groups gnomAD compares: Non-Finnish European, 0.00017%; no homozygotes.

Submission:

Labcorp Genetics (formerly Invitae), Labcorp
Classification: Uncertain significance. Last evaluated: 2024-05-08. Review status: criteria provided, single submitter. Criteria: Invitae Variant Classification Sherloc (09022015). Collection method: clinical testing. Allele origin: germline.
Comment: This sequence change replaces cysteine, which is neutral and slightly polar, with tyrosine, which is neutral and polar, at codon 625 of the DLC1 protein (p.Cys625Tyr). This variant is present in population databases (no rsID available, gnomAD 0.002%). This variant has not been reported in the literature in individuals affected with DLC1-related conditions. An algorithm developed to predict the effect of missense changes on protein structure and function (PolyPhen-2) suggests that this variant is likely to be disruptive. In summary, the available evidence is currently insufficient to determine the role of this variant in disease. Therefore, it has been classified as a Variant of Uncertain Significance.

NM_182643.3(DLC1):c.1874G>A (p.Cys625Tyr)

Gene: DLC1 (DLC1 Rho GTPase activating protein; minus strand). Cytogenetic location: 8p22.
Variant type: single nucleotide variant.
Coding change: c.1874G>A on transcript NM_182643.3 (MANE Select); coding-DNA position 1874, G replaced by A.
Protein change: p.Cys625Tyr; replaces cysteine 625 with tyrosine.
Molecular consequence: missense variant.
Genome position (GRCh38, 1-based): chr8:13,100,463, C>T on the plus strand (G>A on the coding strand, the complement: DLC1 is on the minus strand). VCF-style: chr8-13100463-C-T. GRCh37 (hg19) VCF-style: chr8-12957972-C-T.
Other names: c.341G>A, p.Cys114Tyr (NM_001164271.2, NM_001348082.2, NM_001348083.1 and 6 more transcripts); c.665G>A, p.Cys222Tyr (NM_001316668.2, NM_001413129.1); c.1874G>A, p.Cys625Tyr (NM_001348081.2, NM_001413124.1); c.656G>A, p.Cys219Tyr (NM_001413130.1); c.314G>A, p.Cys105Tyr (NM_001413131.1, NM_001413137.1); c.800G>A, p.Cys267Tyr (NM_001413132.1); c.563G>A, p.Cys188Tyr (NM_001413135.1, NM_001413136.1, NM_001413139.1 and 1 more transcripts); c.698G>A, p.Cys233Tyr (NM_001413140.1); short protein forms C105Y, C222Y, C233Y, C267Y, C114Y, C188Y, C219Y, C625Y.
Identifiers: ClinVar variation 3717049 (VCV003717049.2).